The following is an entry in ClinVar:

NM_000212.3(ITGB3):c.71G>T (p.Gly24Val)

Gene: ITGB3 (integrin subunit beta 3; plus strand). Cytogenetic location: 17q21.32.
Variant type: single nucleotide variant.
Coding change: c.71G>T on transcript NM_000212.3 (MANE Select); coding-DNA position 71, G replaced by T.
Protein change: p.Gly24Val; replaces glycine 24 with valine.
Molecular consequence: missense variant.
Genome position (GRCh38, 1-based): chr17:47,253,932, G>T. VCF-style: chr17-47253932-G-T. GRCh37 (hg19) VCF-style: chr17-45331298-G-T.
Other names: short protein forms G24V.
Identifiers: ClinVar variation 4832395 (VCV004832395.1).
Genomic context (GRCh38, chr17:47,253,932, plus strand): 5'-GGCCGCGGCCCCGGCCGCTCTGGGCGACTGTGCTGGCGCTGGGGGCGCTGGCGGGCGTTG[G>T]CGTAGGAGGTGAGTGAGGCTCCGGCTCGGCAGCGTCGCAGCTGCCCCAGGATCTGCGCCC-3'
Protein context (NP_000203.2, residues 14-34): VLALGALAGV[Gly24Val]VGGPNICTTR

ClinVar aggregate classification (germline): Uncertain significance (1 of 4 stars; one submission).

Conditions:
Inborn genetic diseases. Identifiers: MedGen C0950123, MeSH D030342.

gnomAD v4.1: 6 of 1,419,594 alleles (0.00042%); highest among the groups gnomAD compares: African/African-American, 0.0089%; no homozygotes.

Submission:

Ambry Genetics
Classification: Uncertain significance for Inborn genetic diseases. Last evaluated: 2026-03-10. Review status: criteria provided, single submitter. Criteria: Ambry Variant Classification Scheme 2023. Collection method: clinical testing. Allele origin: germline.
Comment: The c.71G>T (p.G24V) alteration is located in exon 1 (coding exon 1) of the ITGB3 gene. This alteration results from a G to T substitution at nucleotide position 71, causing the glycine (G) at amino acid position 24 to be replaced by a valine (V). Based on data from gnomAD, the T allele has an overall frequency of 0.003% (1/31010) total alleles studied. The highest observed frequency was 0.012% (1/8628) of African alleles. Based on insufficient or conflicting evidence, the clinical significance of this alteration remains unclear.